The following is an entry in ClinVar:

ClinVar aggregate classification (germline): Conflicting classifications of pathogenicity. Review status: criteria provided, conflicting classifications (1 of 4 stars). 2 submissions from 2 submitters: Uncertain significance (1); Likely benign (1). Last evaluated 2025-12-08.

Allele frequency attached by ClinVar (database versions not stated): gnomAD exomes below 0.00001.
gnomAD v4.1: 7 of 1,613,624 alleles (0.00043%); highest among the groups gnomAD compares: East Asian, 0.0022%; no homozygotes.

Submissions (2):

Ambry Genetics
Classification: Likely benign. Last evaluated: 2025-12-08. Review status: criteria provided, single submitter. Criteria: Ambry Variant Classification Scheme 2023. Collection method: clinical testing. Allele origin: germline.

Labcorp Genetics (formerly Invitae), Labcorp
Classification: Uncertain significance. Last evaluated: 2022-06-26. Review status: criteria provided, single submitter. Criteria: Invitae Variant Classification Sherloc (09022015). Collection method: clinical testing. Allele origin: germline.
Comment: This sequence change replaces asparagine, which is neutral and polar, with serine, which is neutral and polar, at codon 283 of the DIAPH3 protein (p.Asn283Ser). This variant is present in population databases (no rsID available, gnomAD 0.007%). This variant has not been reported in the literature in individuals affected with DIAPH3-related conditions. Algorithms developed to predict the effect of missense changes on protein structure and function output the following: SIFT: "Tolerated"; PolyPhen-2: "Benign"; Align-GVGD: "Class C0". The serine amino acid residue is found in multiple mammalian species, which suggests that this missense change does not adversely affect protein function. In summary, the available evidence is currently insufficient to determine the role of this variant in disease. Therefore, it has been classified as a Variant of Uncertain Significance.

NM_001042517.2(DIAPH3):c.848A>G (p.Asn283Ser)

Gene: DIAPH3 (diaphanous related formin 3; minus strand). Cytogenetic location: 13q21.2.
Variant type: single nucleotide variant.
Coding change: c.848A>G on transcript NM_001042517.2 (MANE Select); coding-DNA position 848, A replaced by G.
Protein change: p.Asn283Ser; replaces asparagine 283 with serine.
Molecular consequence: missense variant.
Genome position (GRCh38, 1-based): chr13:60,010,593, T>C on the plus strand (A>G on the coding strand, the complement: DIAPH3 is on the minus strand). VCF-style: chr13-60010593-T-C. GRCh37 (hg19) VCF-style: chr13-60584727-T-C.
Other names: c.815A>G, p.Asn272Ser (NM_001258366.2); c.710A>G, p.Asn237Ser (NM_001258367.2); c.638A>G, p.Asn213Ser (NM_001258368.2); c.848A>G, p.Asn283Ser (NM_001258369.2); c.59A>G, p.Asn20Ser (NM_001258370.2, NM_030932.4); c.848A>G (NM_001042517.1); short protein forms N237S, N283S, N20S, N213S, N272S.
Identifiers: ClinVar variation 1907033 (VCV001907033.6), dbSNP rs1199116344, ClinGen allele CA388334960.